The following is an entry in ClinVar:

ClinVar aggregate classification (germline): Uncertain significance (1 of 4 stars; one submission).

Conditions:
SEC23B-related disorder. Also called: SEC23B-related condition; SEC23B-related disorders.

gnomAD v4.1: 1 of 1,614,152 alleles (0.000062%); highest among the groups gnomAD compares: Non-Finnish European, 0.000085%; no homozygotes.

Submission:

PreventionGenetics, part of Exact Sciences
Classification: Uncertain significance for SEC23B-related condition. Last evaluated: 2023-09-12. Review status: criteria provided, single submitter. Criteria: ACMG Guidelines, 2015. Collection method: clinical testing. Allele origin: germline.
Comment: The SEC23B c.1654C>T variant is predicted to result in the amino acid substitution p.Leu552Phe. This variant was reported in the heterozygous state in an individual with dyserythropoietic congenital anemia, type II (Russo et al 2010. PubMed ID: 20941788). This variant has not been reported in a large population database, indicating this variant is rare. At this time, the clinical significance of this variant is uncertain due to the absence of conclusive functional and genetic evidence.

NM_006363.6(SEC23B):c.1654C>T (p.Leu552Phe)

Gene: SEC23B (SEC23 homolog B, COPII component; plus strand). Cytogenetic location: 20p11.23.
Variant type: single nucleotide variant.
Coding change: c.1654C>T on transcript NM_006363.6 (MANE Select); coding-DNA position 1654, C replaced by T.
Protein change: p.Leu552Phe; replaces leucine 552 with phenylalanine.
Molecular consequence: missense variant.
Genome position (GRCh38, 1-based): chr20:18,543,161, C>T. VCF-style: chr20-18543161-C-T. GRCh37 (hg19) VCF-style: chr20-18523805-C-T.
Other names: c.1654C>T, p.Leu552Phe (NM_001172745.3, NM_032985.6, NM_032986.5); c.1600C>T, p.Leu534Phe (NM_001172746.3); short protein forms L534F, L552F.
Identifiers: ClinVar variation 2631152 (VCV002631152.1), dbSNP rs2517504204, ClinGen allele CA408364229.